The following is an entry in ClinVar:

NM_006509.4(RELB):c.1534G>A (p.Ala512Thr)

Gene: RELB (RELB proto-oncogene, NF-kB subunit; plus strand). Cytogenetic location: 19q13.32.
Variant type: single nucleotide variant.
Coding change: c.1534G>A on transcript NM_006509.4 (MANE Select); coding-DNA position 1534, G replaced by A.
Protein change: p.Ala512Thr; replaces alanine 512 with threonine.
Molecular consequence: missense variant.
Genome position (GRCh38, 1-based): chr19:45,037,584, G>A. VCF-style: chr19-45037584-G-A. GRCh37 (hg19) VCF-style: chr19-45540842-G-A.
Other names: short protein forms A512T.
Identifiers: ClinVar variation 1497659 (VCV001497659.8), dbSNP rs1243621681, ClinGen allele CA406309632.

ClinVar aggregate classification (germline): Uncertain significance (1 of 4 stars; one submission).

Allele frequency attached by ClinVar (database versions not stated): gnomAD exomes 0.00001 and 0.00003; TOPMed 0.00002; gnomAD 0.00003.
gnomAD v4.1: 45 of 1,611,646 alleles (0.0028%); highest among the groups gnomAD compares: Non-Finnish European, 0.0036%; no homozygotes.

Submission:

Labcorp Genetics (formerly Invitae), Labcorp
Classification: Uncertain significance. Last evaluated: 2023-06-10. Review status: criteria provided, single submitter. Criteria: Invitae Variant Classification Sherloc (09022015). Collection method: clinical testing. Allele origin: germline.
Comment: This sequence change replaces alanine, which is neutral and non-polar, with threonine, which is neutral and polar, at codon 512 of the RELB protein (p.Ala512Thr). This variant is present in population databases (no rsID available, gnomAD 0.005%). In summary, the available evidence is currently insufficient to determine the role of this variant in disease. Therefore, it has been classified as a Variant of Uncertain Significance. Algorithms developed to predict the effect of missense changes on protein structure and function output the following: SIFT: "Not Available"; PolyPhen-2: "Benign"; Align-GVGD: "Not Available". The threonine amino acid residue is found in multiple mammalian species, which suggests that this missense change does not adversely affect protein function. ClinVar contains an entry for this variant (Variation ID: 1497659). This variant has not been reported in the literature in individuals affected with RELB-related conditions.